The following is an entry in ClinVar:

ClinVar aggregate classification (germline): Benign/Likely benign. Review status: criteria provided, multiple submitters, no conflicts (2 of 4 stars). 9 submissions from 9 submitters: Benign (6); Likely benign (1). 2 of the submissions do not count toward it. Last evaluated 2026-02-04.

Conditions:
Familial hemophagocytic lymphohistiocytosis 3 (FHL3). Also called: UNC13D-Related Familial Hemophagocytic Lymphohistiocytosis (UNC13D-fHLH). Identifiers: Orphanet 540, MedGen C1837174, MONDO:0012146, OMIM 608898.

Allele frequency attached by ClinVar (database versions not stated): ESP Exome Variant Server 0.03562; TOPMed 0.04950; 1000 Genomes Project 30x 0.09510; 1000 Genomes Project 0.10004.
gnomAD v4.1: 52,299 of 1,609,490 alleles (3.2%); highest among the groups gnomAD compares: East Asian, 28%; 2,711 homozygotes.

Submissions (9):

Labcorp Genetics (formerly Invitae), Labcorp
Classification: Benign for Familial hemophagocytic lymphohistiocytosis 3. Last evaluated: 2026-02-04. Review status: criteria provided, single submitter. Criteria: Invitae Variant Classification Sherloc (09022015). Collection method: clinical testing. Allele origin: germline.

Blueprint Genetics
Classification: Likely benign. Last evaluated: 2024-11-27. Review status: criteria provided, single submitter. Criteria: ACMG Guidelines, 2015. Collection method: clinical testing. Allele origin: germline.

Mayo Clinic Laboratories, Mayo Clinic
Classification: Benign. Last evaluated: 2022-09-06. Review status: criteria provided, single submitter. Criteria: ACMG Guidelines, 2015. Collection method: clinical testing. Allele origin: germline. Observed: 55 variant alleles.

GeneDx
Classification: Benign. Last evaluated: 2018-11-12. Review status: criteria provided, single submitter. Criteria: GeneDx Variant Classification Process June 2021. Collection method: clinical testing. Allele origin: germline. Affected: yes.

Illumina Laboratory Services, Illumina
Classification: Benign for Familial hemophagocytic lymphohistiocytosis 3. Last evaluated: 2018-01-13. Review status: criteria provided, single submitter. Criteria: ICSL Variant Classification Criteria 13 December 2019. Collection method: clinical testing. Allele origin: germline.
Comment: This variant was observed in the ICSL laboratory as part of a predisposition screen in an ostensibly healthy population. It had not been previously curated by ICSL or reported in the Human Gene Mutation Database (HGMD: prior to June 1st, 2018), and was therefore a candidate for classification through an automated scoring system. Utilizing variant allele frequency, disease prevalence and penetrance estimates, and inheritance mode, an automated score was calculated to assess if this variant is too frequent to cause the disease. Based on the score and internal cut-off values, a variant classified as benign is not then subjected to further curation. The score for this variant resulted in a classification of benign for this disease.

Breakthrough Genomics
Classification: Benign. Review status: criteria provided, single submitter. Criteria: ACMG Guidelines, 2015. Collection method: not provided. Allele origin: germline. Inheritance: Autosomal recessive inheritance. Affected: yes.

PreventionGenetics, part of Exact Sciences
Classification: Benign. Review status: criteria provided, single submitter. Criteria: ACMG Guidelines, 2015. Collection method: clinical testing. Allele origin: germline.

Diagnostic Laboratory, Department of Genetics, University Medical Center Groningen
Classification: Benign for Familial hemophagocytic lymphohistiocytosis 3. Review status: no assertion criteria provided. Collection method: clinical testing. Allele origin: germline. Affected: yes. Study: VKGL Data-share Consensus. Not counted in ClinVar's aggregate classification.

Genome Diagnostics Laboratory, University Medical Center Utrecht
Classification: Benign. Review status: no assertion criteria provided. Collection method: clinical testing. Allele origin: germline. Affected: yes. Study: VKGL Data-share Consensus. Not counted in ClinVar's aggregate classification.

NM_199242.3(UNC13D):c.279C>T (p.Pro93=)

Gene: UNC13D (unc-13 homolog D; minus strand). Cytogenetic location: 17q25.1.
Variant type: single nucleotide variant.
Coding change: c.279C>T on transcript NM_199242.3 (MANE Select); coding-DNA position 279, C replaced by T.
Protein change: p.Pro93=; no amino-acid change (proline 93 retained).
Molecular consequence: synonymous variant.
Genome position (GRCh38, 1-based): chr17:75,843,056, G>A on the plus strand (C>T on the coding strand, the complement: UNC13D is on the minus strand). VCF-style: chr17-75843056-G-A. GRCh37 (hg19) VCF-style: chr17-73839137-G-A.
Other names: p.Pro93=.
Identifiers: ClinVar variation 263235 (VCV000263235.19), dbSNP rs3744007, ClinGen allele CA8773542.